The following is an entry in ClinVar:

ClinVar aggregate classification (germline): Likely benign. Review status: criteria provided, multiple submitters, no conflicts (2 of 4 stars). 3 submissions from 3 submitters: Likely benign (3). Last evaluated 2026-01-26.

Conditions:
TTLL5-related disorder. Also called: TTLL5-related condition.

Allele frequency attached by ClinVar (database versions not stated): gnomAD 0.00006; ExAC 0.00009; gnomAD exomes 0.00010; TOPMed 0.00012.
gnomAD v4.1: 58 of 1,613,268 alleles (0.0036%); highest among the groups gnomAD compares: East Asian, 0.045%; no homozygotes.

Submissions (3):

Labcorp Genetics (formerly Invitae), Labcorp
Classification: Likely benign. Last evaluated: 2026-01-26. Review status: criteria provided, single submitter. Criteria: Invitae Variant Classification Sherloc (09022015). Collection method: clinical testing. Allele origin: germline.

PreventionGenetics, part of Exact Sciences
Classification: Likely benign for TTLL5-related condition. Last evaluated: 2025-11-12. Review status: criteria provided, single submitter. Criteria: ACMG Guidelines, 2015. Collection method: clinical testing. Allele origin: germline.
Comment: This variant is classified as likely benign based on ACMG/AMP sequence variant interpretation guidelines (Richards et al. 2015 PMID: 25741868, with internal and published modifications).

Blueprint Genetics
Classification: Likely benign. Last evaluated: 2023-07-28. Review status: criteria provided, single submitter. Criteria: ACMG Guidelines, 2015. Collection method: clinical testing. Allele origin: germline.

NM_015072.5(TTLL5):c.1497C>T (p.Leu499=)

Gene: TTLL5 (tubulin tyrosine ligase like 5; plus strand). Cytogenetic location: 14q24.3.
Variant type: single nucleotide variant.
Coding change: c.1497C>T on transcript NM_015072.5 (MANE Select); coding-DNA position 1497, C replaced by T.
Protein change: p.Leu499=; no amino-acid change (leucine 499 retained).
Molecular consequence: synonymous variant.
Genome position (GRCh38, 1-based): chr14:75,752,902, C>T. VCF-style: chr14-75752902-C-T. GRCh37 (hg19) VCF-style: chr14-76219245-C-T.
Other names: c.1497C>T (NM_015072.4).
Identifiers: ClinVar variation 1098009 (VCV001098009.11), dbSNP rs778083827, ClinGen allele CA7279409.
Genomic context (GRCh38, chr14:75,752,902, plus strand): 5'-TTCCTCTTGAACTAGCTTAAGAAATAACCAGTTTCTTTCTTTGCTTTTCAGGTCCTACCT[C>T]GAGCATAAGACCTCAATGAACTATATGCTGGCAACACGCCTCTTCCAGGACAGGTAGAGA-3'
Protein context (NP_055887.3, residues 489-509): SETWEIYGSY[Leu499=]EHKTSMNYML